The following is an entry in ClinVar:

ClinVar aggregate classification (germline): Pathogenic (1 of 4 stars; one submission).

Allele frequency attached by ClinVar (database versions not stated): ExAC 0.00003; gnomAD 0.00004.
gnomAD v4.1: 32 of 1,611,754 alleles (0.002%); no homozygotes.

Submission:

Labcorp Genetics (formerly Invitae), Labcorp
Classification: Pathogenic. Last evaluated: 2023-05-11. Review status: criteria provided, single submitter. Criteria: Invitae Variant Classification Sherloc (09022015). Collection method: clinical testing. Allele origin: germline.
Comment: For these reasons, this variant has been classified as Pathogenic. This sequence change creates a premature translational stop signal (p.Glu91*) in the MOCS2B gene. It is expected to result in an absent or disrupted protein product. Loss-of-function variants in MOCS2B are known to be pathogenic (PMID: 21031595). This variant is present in population databases (rs756717469, gnomAD 0.07%). This variant has not been reported in the literature in individuals affected with MOCS2B-related conditions.

Literature cited by the submitters: PubMed 21031595.

NM_004531.5(MOCS2):c.271G>T (p.Glu91Ter)

Gene: MOCS2 (molybdenum cofactor synthesis 2; minus strand). Cytogenetic location: 5q11.2.
Variant type: single nucleotide variant.
Coding change: c.271G>T on transcript NM_004531.5 (MANE Select); coding-DNA position 271, G replaced by T.
Protein change: p.Glu91Ter; replaces glutamic acid 91 with a stop codon.
Molecular consequence: nonsense. On other transcripts: 3 prime UTR variant (1).
Genome position (GRCh38, 1-based): chr5:53,101,465, C>A on the plus strand (G>T on the coding strand, the complement: MOCS2 is on the minus strand). VCF-style: chr5-53101465-C-A. GRCh37 (hg19) VCF-style: chr5-52397295-C-A.
Other names: c.*191G>T (NM_176806.4); c.271G>T, p.Glu91Ter (NM_183418.1); short protein forms E91*.
Identifiers: ClinVar variation 2863141 (VCV002863141.3), dbSNP rs756717469, ClinGen allele CA3263660.